The following is an entry in ClinVar:

NM_006254.4(PRKCD):c.1511G>T (p.Arg504Leu)

Gene: PRKCD (protein kinase C delta; plus strand). Cytogenetic location: 3p21.1.
Variant type: single nucleotide variant.
Coding change: c.1511G>T on transcript NM_006254.4 (MANE Select); coding-DNA position 1511, G replaced by T.
Protein change: p.Arg504Leu; replaces arginine 504 with leucine.
Molecular consequence: missense variant.
Genome position (GRCh38, 1-based): chr3:53,188,815, G>T. VCF-style: chr3-53188815-G-T. GRCh37 (hg19) VCF-style: chr3-53222831-G-T.
Other names: c.1568G>T, p.Arg523Leu (NM_001354676.2); c.1559G>T, p.Arg520Leu (NM_001354678.2); c.1511G>T, p.Arg504Leu (NM_001354679.2, NM_001354680.2, NM_212539.2 and 1 more transcripts); short protein forms R504L, R520L, R523L.
Identifiers: ClinVar variation 1714512 (VCV001714512.5), dbSNP rs781836069, ClinGen allele CA353223433.

ClinVar aggregate classification (germline): Uncertain significance (1 of 4 stars; one submission).

Conditions:
Autoimmune lymphoproliferative syndrome, type III caused by mutation in PRKCD. Identifiers: Orphanet 3261, Orphanet 664711, MedGen C3809928, MONDO:8000024, OMIM 615559.

Submission:

Labcorp Genetics (formerly Invitae), Labcorp
Classification: Uncertain significance for Autoimmune lymphoproliferative syndrome, type III caused by mutation in PRKCD. Last evaluated: 2022-07-30. Review status: criteria provided, single submitter. Criteria: Invitae Variant Classification Sherloc (09022015). Collection method: clinical testing. Allele origin: germline.
Comment: In summary, the available evidence is currently insufficient to determine the role of this variant in disease. Therefore, it has been classified as a Variant of Uncertain Significance. This sequence change replaces arginine, which is basic and polar, with leucine, which is neutral and non-polar, at codon 504 of the PRKCD protein (p.Arg504Leu). This variant is not present in population databases (gnomAD no frequency). This variant has not been reported in the literature in individuals affected with PRKCD-related conditions. Algorithms developed to predict the effect of missense changes on protein structure and function output the following: SIFT: "Deleterious"; PolyPhen-2: "Benign"; Align-GVGD: "Class C25". The leucine amino acid residue is found in multiple mammalian species, which suggests that this missense change does not adversely affect protein function.